The following is an entry in ClinVar:

NM_018699.4(PRDM5):c.603C>G (p.Cys201Trp)

Gene: PRDM5 (PR/SET domain 5; minus strand). Cytogenetic location: 4q27.
Variant type: single nucleotide variant.
Coding change: c.603C>G on transcript NM_018699.4 (MANE Select); coding-DNA position 603, C replaced by G.
Protein change: p.Cys201Trp; replaces cysteine 201 with tryptophan.
Molecular consequence: missense variant.
Genome position (GRCh38, 1-based): chr4:120,818,400, G>C on the plus strand (C>G on the coding strand, the complement: PRDM5 is on the minus strand). VCF-style: chr4-120818400-G-C. GRCh37 (hg19) VCF-style: chr4-121739555-G-C.
Other names: c.603C>G (NM_018699.2); c.603C>G, p.Cys201Trp (NM_001300823.2, NM_001300824.2, NM_001379104.1 and 1 more transcripts); short protein forms C201W.
Identifiers: ClinVar variation 1975978 (VCV001975978.5), dbSNP rs757019432, ClinGen allele CA3061352.

ClinVar aggregate classification (germline): Uncertain significance. Review status: criteria provided, multiple submitters, no conflicts (2 of 4 stars). 2 submissions from 2 submitters: Uncertain significance (2). Last evaluated 2025-06-22.

Conditions:
Cardiovascular phenotype. Identifiers: MedGen CN230736.

Allele frequency attached by ClinVar (database versions not stated): TOPMed below 0.00001; ExAC 0.00003; gnomAD exomes 0.00003.
gnomAD v4.1: 44 of 1,614,038 alleles (0.0027%); highest among the groups gnomAD compares: Non-Finnish European, 0.0037%; no homozygotes.

Submissions (2):

Ambry Genetics
Classification: Uncertain significance for Cardiovascular phenotype. Last evaluated: 2025-06-22. Review status: criteria provided, single submitter. Criteria: Ambry Variant Classification Scheme 2023. Collection method: clinical testing. Allele origin: germline.
Comment: The p.C201W variant (also known as c.603C>G), located in coding exon 5 of the PRDM5 gene, results from a C to G substitution at nucleotide position 603. The cysteine at codon 201 is replaced by tryptophan, an amino acid with highly dissimilar properties. This amino acid position is conserved. In addition, this alteration is predicted to be deleterious by in silico analysis. Based on the available evidence, the clinical significance of this variant remains unclear.

Labcorp Genetics (formerly Invitae), Labcorp
Classification: Uncertain significance. Last evaluated: 2022-06-30. Review status: criteria provided, single submitter. Criteria: Invitae Variant Classification Sherloc (09022015). Collection method: clinical testing. Allele origin: germline.
Comment: This sequence change replaces cysteine, which is neutral and slightly polar, with tryptophan, which is neutral and slightly polar, at codon 201 of the PRDM5 protein (p.Cys201Trp). This variant is present in population databases (rs757019432, gnomAD 0.004%). This variant has not been reported in the literature in individuals affected with PRDM5-related conditions. Algorithms developed to predict the effect of missense changes on protein structure and function (SIFT, PolyPhen-2, Align-GVGD) all suggest that this variant is likely to be disruptive. In summary, the available evidence is currently insufficient to determine the role of this variant in disease. Therefore, it has been classified as a Variant of Uncertain Significance.